The following is an entry in ClinVar:

ClinVar aggregate classification (germline): Benign (0 of 4 stars; one submission).

Conditions:
KCNJ12-related disorder. Also called: KCNJ12-related condition.

Submission:

PreventionGenetics, part of Exact Sciences
Classification: Benign for KCNJ12-related condition. Last evaluated: 2019-10-17. Review status: no assertion criteria provided. Collection method: clinical testing. Allele origin: germline.
Comment: This variant is classified as benign based on ACMG/AMP sequence variant interpretation guidelines (Richards et al. 2015 PMID: 25741868, with internal and published modifications).

NM_021012.5(KCNJ12):c.264G>A (p.Ser88=)

Gene: KCNJ12 (potassium inwardly rectifying channel subfamily J member 12; plus strand). Cytogenetic location: 17p11.2.
Variant type: single nucleotide variant.
Coding change: c.264G>A on transcript NM_021012.5 (MANE Select); coding-DNA position 264, G replaced by A.
Protein change: p.Ser88=; no amino-acid change (serine 88 retained).
Molecular consequence: synonymous variant.
Genome position (GRCh38, 1-based): chr17:21,415,606, G>A. VCF-style: chr17-21415606-G-A. GRCh37 (hg19) VCF-style: chr17-21318918-G-A.
Identifiers: ClinVar variation 3059946 (VCV003059946.2), dbSNP rs79626424, ClinGen allele CA8451055.